The following is an entry in ClinVar:

ClinVar aggregate classification (germline): Uncertain significance (1 of 4 stars; one submission).

Conditions:
BAP1-related tumor predisposition syndrome (TPDS1). Also called: TUMOR PREDISPOSITION SYNDROME 1; Tumor susceptibility linked to germline BAP1 mutations; COMMON Syndrome; BAP1 tumor predisposition syndrome. Identifiers: Orphanet 289539, MedGen C3280492, MONDO:0013692, OMIM 614327.

Submission:

Labcorp Genetics (formerly Invitae), Labcorp
Classification: Uncertain significance for BAP1-related tumor predisposition syndrome. Last evaluated: 2022-03-26. Review status: criteria provided, single submitter. Criteria: Invitae Variant Classification Sherloc (09022015). Collection method: clinical testing. Allele origin: germline.
Comment: This sequence change replaces valine, which is neutral and non-polar, with methionine, which is neutral and non-polar, at codon 233 of the BAP1 protein (p.Val233Met). This variant is not present in population databases (gnomAD no frequency). This variant has not been reported in the literature in individuals affected with BAP1-related conditions. Algorithms developed to predict the effect of missense changes on protein structure and function are either unavailable or do not agree on the potential impact of this missense change (SIFT: "Deleterious"; PolyPhen-2: "Probably Damaging"; Align-GVGD: "Class C0"). In summary, the available evidence is currently insufficient to determine the role of this variant in disease. Therefore, it has been classified as a Variant of Uncertain Significance.

NM_004656.4(BAP1):c.697G>A (p.Val233Met)

Gene: BAP1 (BRCA1 associated deubiquitinase 1; minus strand). Cytogenetic location: 3p21.1.
Variant type: single nucleotide variant.
Coding change: c.697G>A on transcript NM_004656.4 (MANE Select); coding-DNA position 697, G replaced by A.
Protein change: p.Val233Met; replaces valine 233 with methionine.
Molecular consequence: missense variant.
Genome position (GRCh38, 1-based): chr3:52,406,339, C>T on the plus strand (G>A on the coding strand, the complement: BAP1 is on the minus strand). VCF-style: chr3-52406339-C-T. GRCh37 (hg19) VCF-style: chr3-52440355-C-T.
Other names: short protein forms V233M.
Identifiers: ClinVar variation 2117739 (VCV002117739.4), dbSNP rs1388711456, ClinGen allele CA353107405.